The following is an entry in ClinVar:

ClinVar aggregate classification (germline): Uncertain significance (1 of 4 stars; one submission).

gnomAD v4.1: 1 of 1,609,770 alleles (0.000062%); highest among the groups gnomAD compares: South Asian, 0.0011%; no homozygotes.

Submission:

Ambry Genetics
Classification: Uncertain significance. Last evaluated: 2022-01-01. Review status: criteria provided, single submitter. Criteria: Ambry Variant Classification Scheme 2023. Collection method: clinical testing. Allele origin: germline.
Comment: The p.P276T variant (also known as c.826C>A), located in coding exon 6 of the BUB3 gene, results from a C to A substitution at nucleotide position 826. The proline at codon 276 is replaced by threonine, an amino acid with highly similar properties. This amino acid position is conserved. In addition, the in silico prediction for this alteration is inconclusive. Since supporting evidence is limited at this time, the clinical significance of this alteration remains unclear.

NM_004725.4(BUB3):c.826C>A (p.Pro276Thr)

Gene: BUB3 (BUB3 mitotic checkpoint protein; plus strand). Cytogenetic location: 10q26.13.
Variant type: single nucleotide variant.
Coding change: c.826C>A on transcript NM_004725.4 (MANE Select); coding-DNA position 826, C replaced by A.
Protein change: p.Pro276Thr; replaces proline 276 with threonine.
Molecular consequence: missense variant.
Genome position (GRCh38, 1-based): chr10:123,162,683, C>A. VCF-style: chr10-123162683-C-A. GRCh37 (hg19) VCF-style: chr10-124922199-C-A.
Other names: c.826C>A, p.Pro276Thr (NM_001007793.3); short protein forms P276T.
Identifiers: ClinVar variation 1762689 (VCV001762689.2), dbSNP rs1589691313, ClinGen allele CA378627002.